The following is an entry in ClinVar:

NM_001569.4(IRAK1):c.1258G>A (p.Gly420Ser)

Gene: IRAK1 (interleukin 1 receptor associated kinase 1; minus strand). Cytogenetic location: Xq28.
Variant type: single nucleotide variant.
Coding change: c.1258G>A on transcript NM_001569.4 (MANE Select); coding-DNA position 1258, G replaced by A.
Protein change: p.Gly420Ser; replaces glycine 420 with serine.
Molecular consequence: missense variant.
Genome position (GRCh38, 1-based): chrX:154,016,076, C>T on the plus strand (G>A on the coding strand, the complement: IRAK1 is on the minus strand). VCF-style: chrX-154016076-C-T. GRCh37 (hg19) VCF-style: chrX-153281527-C-T.
Other names: c.1258G>A, p.Gly420Ser (NM_001025242.2, NM_001025243.2); c.1336G>A, p.Gly446Ser (NM_001410701.1); short protein forms G420S, G446S.
Identifiers: ClinVar variation 4891026 (VCV004891026.1).
Genomic context (GRCh38, chrX:154,016,076, plus strand): 5'-GCCTCAAGGGGCTCACCAGATACTTGGTCCTGGCACCGTGCGTCTTCACAGCCCTCTGAC[C>T]AGCCAAGGTCTCTAGCACTACCTGGAGAGAGGGAAGAGGGAGAGCATGGCAGTGGCCTTG-3'
Protein context (NP_001560.2, residues 410-430): FGVVVLETLA[Gly420Ser]QRAVKTHGAR

ClinVar aggregate classification (germline): Uncertain significance (1 of 4 stars; one submission).

Submission:

Greenwood Genetic Center Diagnostic Laboratories, Greenwood Genetic Center
Classification: Uncertain significance. Last evaluated: 2026-04-23. Review status: criteria provided, single submitter. Criteria: ACMG Guidelines, 2015. Collection method: clinical testing. Allele origin: germline.
Comment: Gene of Uncertain Significance